The following is an entry in ClinVar:

NM_001099274.3(TINF2):c.98G>A (p.Arg33Gln)

Genes: TINF2 (TERF1 interacting nuclear factor 2; minus strand), LOC130055403 (ATAC-STARR-seq lymphoblastoid active region 8199; plus strand). Cytogenetic location: 14q12.
Variant type: single nucleotide variant.
Coding change: c.98G>A on transcript NM_001099274.3 (MANE Select); coding-DNA position 98, G replaced by A.
Protein change: p.Arg33Gln; replaces arginine 33 with glutamine.
Molecular consequence: missense variant.
Genome position (GRCh38, 1-based): chr14:24,242,235, C>T on the plus strand (G>A on the coding strand, the complement: TINF2 is on the minus strand). VCF-style: chr14-24242235-C-T. GRCh37 (hg19) VCF-style: chr14-24711441-C-T.
Other names: c.98G>A, p.Arg33Gln (NM_001363668.2, NM_012461.3); short protein forms R33Q.
Identifiers: ClinVar variation 3730303 (VCV003730303.2).
Genomic context (GRCh38, chr14:24,242,235, plus strand): 5'-TGCCGGTAGCGAACCAAGCCAGGGGCAACAGCGCGCAGAGATCGCAGAAACTCCAGTACT[C>T]GCGGAAAATGTTCCACGCAGCGTCCGCGCACAACCTGCCAGCTAGCCGCGGCGGCGAAGC-3'
Protein context (NP_001092744.1, residues 23-43): VRGRCVEHFP[Arg33Gln]VLEFLRSLRA

ClinVar aggregate classification (germline): Uncertain significance (1 of 4 stars; one submission).

Conditions:
Dyskeratosis congenita. Identifiers: Orphanet 1775, MedGen C0265965, MONDO:0015780.

Submission:

Labcorp Genetics (formerly Invitae), Labcorp
Classification: Uncertain significance for Dyskeratosis congenita. Last evaluated: 2024-09-09. Review status: criteria provided, single submitter. Criteria: Invitae Variant Classification Sherloc (09022015). Collection method: clinical testing. Allele origin: germline.
Comment: This sequence change replaces arginine, which is basic and polar, with glutamine, which is neutral and polar, at codon 33 of the TINF2 protein (p.Arg33Gln). This variant is not present in population databases (gnomAD no frequency). This variant has not been reported in the literature in individuals affected with TINF2-related conditions. An algorithm developed to predict the effect of missense changes on protein structure and function outputs the following: PolyPhen-2: "Benign". The glutamine amino acid residue is found in multiple mammalian species, which suggests that this missense change does not adversely affect protein function. In summary, the available evidence is currently insufficient to determine the role of this variant in disease. Therefore, it has been classified as a Variant of Uncertain Significance.